The following is an entry in ClinVar:

ClinVar aggregate classification (germline): Uncertain significance (1 of 4 stars; one submission).

Conditions:
Developmental and epileptic encephalopathy. Identifiers: MedGen C5779964, MONDO:0100620.

Allele frequency attached by ClinVar (database versions not stated): gnomAD exomes 0.00001 and 0.00002; ExAC 0.00002; gnomAD 0.00003 and 0.00004; TOPMed 0.00008.
gnomAD v4.1: 25 of 1,613,912 alleles (0.0015%); highest among the groups gnomAD compares: African/African-American, 0.029%; no homozygotes.

Submission:

Labcorp Genetics (formerly Invitae), Labcorp
Classification: Uncertain significance for Early-infantile DEE. Last evaluated: 2022-08-16. Review status: criteria provided, single submitter. Criteria: Invitae Variant Classification Sherloc (09022015). Collection method: clinical testing. Allele origin: germline.
Comment: This variant is present in population databases (rs35497591, gnomAD 0.03%). This variant has not been reported in the literature in individuals affected with CACNA2D2-related conditions. ClinVar contains an entry for this variant (Variation ID: 849987). Algorithms developed to predict the effect of missense changes on protein structure and function are either unavailable or do not agree on the potential impact of this missense change (SIFT: "Deleterious"; PolyPhen-2: "Possibly Damaging"; Align-GVGD: "Class C0"). In summary, the available evidence is currently insufficient to determine the role of this variant in disease. Therefore, it has been classified as a Variant of Uncertain Significance.

NM_006030.4(CACNA2D2):c.413C>T (p.Ala138Val)

Gene: CACNA2D2 (calcium voltage-gated channel auxiliary subunit alpha2delta 2; minus strand). Cytogenetic location: 3p21.31.
Variant type: single nucleotide variant.
Coding change: c.413C>T on transcript NM_006030.4 (MANE Select); coding-DNA position 413, C replaced by T.
Protein change: p.Ala138Val; replaces alanine 138 with valine.
Molecular consequence: missense variant.
Genome position (GRCh38, 1-based): chr3:50,394,161, G>A on the plus strand (C>T on the coding strand, the complement: CACNA2D2 is on the minus strand). VCF-style: chr3-50394161-G-A. GRCh37 (hg19) VCF-style: chr3-50431592-G-A.
Other names: c.413C>T, p.Ala138Val (NM_001005505.3, NM_001174051.3); c.206C>T, p.Ala69Val (NM_001291101.1); short protein forms A69V, A138V.
Identifiers: ClinVar variation 849987 (VCV000849987.5), dbSNP rs35497591, ClinGen allele CA2419210.